The following is an entry in ClinVar:

NM_015338.6(ASXL1):c.1320A>C (p.Lys440Asn)

Gene: ASXL1 (ASXL transcriptional regulator 1; plus strand). Cytogenetic location: 20q11.21.
Variant type: single nucleotide variant.
Coding change: c.1320A>C on transcript NM_015338.6 (MANE Select); coding-DNA position 1320, A replaced by C.
Protein change: p.Lys440Asn; replaces lysine 440 with asparagine.
Molecular consequence: missense variant.
Genome position (GRCh38, 1-based): chr20:32,433,518, A>C. VCF-style: chr20-32433518-A-C. GRCh37 (hg19) VCF-style: chr20-31021321-A-C.
Other names: c.1137A>C, p.Lys379Asn (NM_001363734.1); short protein forms K379N, K440N.
Identifiers: ClinVar variation 3012162 (VCV003012162.4), dbSNP rs1229359914, ClinGen allele CA408556331.
Genomic context (GRCh38, chr20:32,433,518, plus strand): 5'-CAGAAGGAATCTGTACAAAAAACAGGAGTCAGAACAAGCAGGGGTTGCTAAGGATGCAAA[A>C]TCTGTGGCCTCAGATGTTCCCCTCTACAAGGATGGGGAGGCTAAGACTGACCCAGCAGGG-3'
Protein context (NP_056153.2, residues 430-450): SEQAGVAKDA[Lys440Asn]SVASDVPLYK

ClinVar aggregate classification (germline): Uncertain significance. Review status: criteria provided, multiple submitters, no conflicts (2 of 4 stars). 2 submissions from 2 submitters: Uncertain significance (2). Last evaluated 2024-11-21.

Conditions:
Inborn genetic diseases. Identifiers: MedGen C0950123, MeSH D030342.

Submissions (2):

Ambry Genetics
Classification: Uncertain significance for Inborn genetic diseases. Last evaluated: 2024-11-21. Review status: criteria provided, single submitter. Criteria: Ambry Variant Classification Scheme 2023. Collection method: clinical testing. Allele origin: germline.
Comment: The p.K440N variant (also known as c.1320A>C), located in coding exon 12 of the ASXL1 gene, results from an A to C substitution at nucleotide position 1320. The lysine at codon 440 is replaced by asparagine, an amino acid with similar properties. This amino acid position is conserved. In addition, this alteration is predicted to be tolerated by in silico analysis. Based on the available evidence, the clinical significance of this variant remains unclear.

Labcorp Genetics (formerly Invitae), Labcorp
Classification: Uncertain significance. Last evaluated: 2024-10-23. Review status: criteria provided, single submitter. Criteria: Invitae Variant Classification Sherloc (09022015). Collection method: clinical testing. Allele origin: germline.
Comment: This sequence change replaces lysine, which is basic and polar, with asparagine, which is neutral and polar, at codon 440 of the ASXL1 protein (p.Lys440Asn). This variant is not present in population databases (gnomAD no frequency). This variant has not been reported in the literature in individuals affected with ASXL1-related conditions. An algorithm developed to predict the effect of missense changes on protein structure and function outputs the following: PolyPhen-2: "Benign". The asparagine amino acid residue is found in multiple mammalian species, which suggests that this missense change does not adversely affect protein function. In summary, the available evidence is currently insufficient to determine the role of this variant in disease. Therefore, it has been classified as a Variant of Uncertain Significance.